The following is an entry in ClinVar:

ClinVar aggregate classification (germline): Uncertain significance (1 of 4 stars; one submission).

Conditions:
Seizures, benign familial infantile, 3 (BFIS3). Also called: CONVULSIONS, BENIGN FAMILIAL INFANTILE, 3; Familial neonatal seizures. Identifiers: Orphanet 140927, Orphanet 306, MedGen C1843140, MONDO:0011904, OMIM 607745.
Developmental and epileptic encephalopathy, 11 (DEE11). Also called: Early infantile epileptic encephalopathy 11. Identifiers: Orphanet 1934, MedGen C3150987, MONDO:0013388, OMIM 613721.

Submission:

Labcorp Genetics (formerly Invitae), Labcorp
Classification: Uncertain significance for Seizures, benign familial infantile, 3; Developmental and epileptic encephalopathy, 11. Last evaluated: 2022-08-20. Review status: criteria provided, single submitter. Criteria: Invitae Variant Classification Sherloc (09022015). Collection method: clinical testing. Allele origin: germline.
Comment: In summary, the available evidence is currently insufficient to determine the role of this variant in disease. Therefore, it has been classified as a Variant of Uncertain Significance. Algorithms developed to predict the effect of missense changes on protein structure and function (SIFT, PolyPhen-2, Align-GVGD) all suggest that this variant is likely to be disruptive. This variant has not been reported in the literature in individuals affected with SCN2A-related conditions. This variant is not present in population databases (gnomAD no frequency). This sequence change replaces proline, which is neutral and non-polar, with threonine, which is neutral and polar, at codon 1895 of the SCN2A protein (p.Pro1895Thr).

NM_001040142.2(SCN2A):c.5683C>A (p.Pro1895Thr)

Gene: SCN2A (sodium voltage-gated channel alpha subunit 2; plus strand). Cytogenetic location: 2q24.3.
Variant type: single nucleotide variant.
Coding change: c.5683C>A on transcript NM_001040142.2 (MANE Select); coding-DNA position 5683, C replaced by A.
Protein change: p.Pro1895Thr; replaces proline 1895 with threonine.
Molecular consequence: missense variant.
Genome position (GRCh38, 1-based): chr2:165,389,489, C>A. VCF-style: chr2-165389489-C-A. GRCh37 (hg19) VCF-style: chr2-166245999-C-A.
Other names: c.5683C>A, p.Pro1895Thr (NM_001040143.2, NM_001371246.1, NM_001371247.1 and 1 more transcripts); short protein forms P1895T.
Identifiers: ClinVar variation 1722296 (VCV001722296.6), dbSNP rs2468160098, ClinGen allele CA349039808.
Genomic context (GRCh38, chr2:165,389,489, plus strand): 5'-CTTCGAATACAGATGGAAGAGCGATTCATGGCATCAAACCCCTCCAAAGTCTCTTATGAG[C>A]CCATTACGACCACGTTGAAACGCAAACAAGAGGAGGTGTCTGCTATTATTATCCAGAGGG-3'
Protein context (NP_001035232.1, residues 1885-1905): ASNPSKVSYE[Pro1895Thr]ITTTLKRKQE